The following is an entry in ClinVar:

NM_000264.5(PTCH1):c.2250+4A>G

Genes: PTCH1 (patched 1; minus strand), LOC100507346 (uncharacterized LOC100507346; plus strand). Cytogenetic location: 9q22.32.
Variant type: single nucleotide variant.
Coding change: c.2250+4A>G on transcript NM_000264.5 (MANE Select); 4 bases into the intron after coding-DNA position 2250, A replaced by G.
Molecular consequence: intron variant. On other transcripts: non-coding transcript variant (1).
Genome position (GRCh38, 1-based): chr9:95,468,747, T>C on the plus strand (A>G on the coding strand, the complement: PTCH1 is on the minus strand). VCF-style: chr9-95468747-T-C. GRCh37 (hg19) VCF-style: chr9-98231029-T-C.
Other names: c.2247+4A>G (NM_001083603.3); c.2052+4A>G (NM_001083602.3); c.2094+4A>G (NM_001354918.2); c.1797+4A>G (NM_001083605.3, NM_001083604.3, NM_001083606.3 and 1 more transcripts).
Identifiers: ClinVar variation 3311133 (VCV003311133.1).

ClinVar aggregate classification (germline): Uncertain significance (1 of 4 stars; one submission).

Conditions:
Hereditary cancer-predisposing syndrome. Also called: Neoplastic Syndromes, Hereditary; Tumor predisposition; Hereditary neoplastic syndrome; Hereditary Cancer Syndrome. Identifiers: Orphanet 140162, MedGen C0027672, MeSH D009386, MONDO:0015356.

Submission:

Ambry Genetics
Classification: Uncertain significance for Hereditary cancer-predisposing syndrome. Last evaluated: 2024-03-26. Review status: criteria provided, single submitter. Criteria: Ambry Variant Classification Scheme 2023. Collection method: clinical testing. Allele origin: germline.
Comment: The c.2250+4A>G intronic variant results from an A to G substitution 4 nucleotides after coding exon 14 in the PTCH1 gene. This nucleotide position is highly conserved in available vertebrate species. In silico splice site analysis predicts that this alteration will not have any significant effect on splicing. Based on the available evidence, the clinical significance of this alteration remains unclear.